The following is an entry in ClinVar:

ClinVar aggregate classification (germline): Uncertain significance. Review status: criteria provided, multiple submitters, no conflicts (2 of 4 stars). 2 submissions from 2 submitters: Uncertain significance (2). Last evaluated 2025-05-20.

Submissions (2):

Ambry Genetics
Classification: Uncertain significance. Last evaluated: 2025-05-20. Review status: criteria provided, single submitter. Criteria: Ambry Variant Classification Scheme 2023. Collection method: clinical testing. Allele origin: germline.

Labcorp Genetics (formerly Invitae), Labcorp
Classification: Uncertain significance. Last evaluated: 2022-01-11. Review status: criteria provided, single submitter. Criteria: Invitae Variant Classification Sherloc (09022015). Collection method: clinical testing. Allele origin: germline.
Comment: Algorithms developed to predict the effect of missense changes on protein structure and function are either unavailable or do not agree on the potential impact of this missense change (SIFT: "Deleterious"; PolyPhen-2: "Benign"; Align-GVGD: "Class C25"). This variant has not been reported in the literature in individuals affected with KIF20A-related conditions. This variant is not present in population databases (gnomAD no frequency). This sequence change replaces glutamine, which is neutral and polar, with glutamic acid, which is acidic and polar, at codon 233 of the KIF20A protein (p.Gln233Glu). In summary, the available evidence is currently insufficient to determine the role of this variant in disease. Therefore, it has been classified as a Variant of Uncertain Significance.

NM_005733.3(KIF20A):c.697C>G (p.Gln233Glu)

Gene: KIF20A (kinesin family member 20A; plus strand). Cytogenetic location: 5q31.2.
Variant type: single nucleotide variant.
Coding change: c.697C>G on transcript NM_005733.3 (MANE Select); coding-DNA position 697, C replaced by G.
Protein change: p.Gln233Glu; replaces glutamine 233 with glutamic acid.
Molecular consequence: missense variant.
Genome position (GRCh38, 1-based): chr5:138,182,768, C>G. VCF-style: chr5-138182768-C-G. GRCh37 (hg19) VCF-style: chr5-137518457-C-G.
Other names: c.697C>G (NM_005733.2); short protein forms Q233E.
Identifiers: ClinVar variation 1944017 (VCV001944017.6), dbSNP rs938474096, ClinGen allele CA128184977.